The following is an entry in ClinVar:

NM_001164508.2(NEB):c.3943_3945delinsTGG (p.Ile1315Trp)

Gene: NEB (nebulin; minus strand). Cytogenetic location: 2q23.3.
Variant type: Indel.
Coding change: c.3943_3945delinsTGG on transcript NM_001164508.2 (MANE Select); coding-DNA positions 3943 to 3945, ATT replaced by TGG.
Protein change: p.Ile1315Trp; replaces isoleucine 1315 with tryptophan.
Molecular consequence: missense variant.
Genome position (GRCh38, 1-based): chr2:151,674,519-151,674,521, AAT replaced by CCA on the plus strand (ATT replaced by TGG on the coding strand, the reverse complement: NEB is on the minus strand). VCF-style: chr2-151674519-AAT-CCA. GRCh37 (hg19) VCF-style: chr2-152531033-AAT-CCA.
Other names: c.3943_3945delinsTGG, p.Ile1315Trp (NM_001164507.2, NM_001271208.2, NM_004543.5); short protein forms I1315W.
Identifiers: ClinVar variation 2156062 (VCV002156062.3), dbSNP rs2552261385, ClinGen allele CA2580064127.
Genomic context (GRCh38, chr2:151,674,519, plus strand): 5'-CCTAAAATTTGTACTCACATCACTGGCAATGTTTCTCGATGCCTTGGCTGCAGTGATGGG[AAT>CCA]AGCATCGCCCAGCACATTGTTGCCCTTGGCTATTAAGTCATACCAATCCCGTTTATAACA-3'
Protein context (NP_001157980.2, residues 1305-1325): AKGNNVLGDA[Ile1315Trp]PITAAKASRN

ClinVar aggregate classification (germline): Uncertain significance (1 of 4 stars; one submission).

Conditions:
Nemaline myopathy 2 (NEM2). Also called: Nemaline myopathy 2, autosomal recessive. Identifiers: MedGen C1850569, MONDO:0009725, OMIM 256030.

Submission:

Labcorp Genetics (formerly Invitae), Labcorp
Classification: Uncertain significance for Nemaline myopathy 2. Last evaluated: 2024-07-23. Review status: criteria provided, single submitter. Criteria: Invitae Variant Classification Sherloc (09022015). Collection method: clinical testing. Allele origin: germline.
Comment: This sequence change replaces isoleucine, which is neutral and non-polar, with tryptophan, which is neutral and slightly polar, at codon 1315 of the NEB protein (p.Ile1315Trp). Information on the frequency of this variant in the gnomAD database is not available, as this variant may be reported differently in the database. This variant has not been reported in the literature in individuals affected with NEB-related conditions. ClinVar contains an entry for this variant (Variation ID: 2156062). Experimental studies and prediction algorithms are not available or were not evaluated, and the functional significance of this variant is currently unknown. In summary, the available evidence is currently insufficient to determine the role of this variant in disease. Therefore, it has been classified as a Variant of Uncertain Significance.